The following is an entry in ClinVar:

ClinVar aggregate classification (germline): Uncertain significance. Review status: criteria provided, multiple submitters, no conflicts (2 of 4 stars). 2 submissions from 2 submitters: Uncertain significance (2). Last evaluated 2024-05-07.

Conditions:
Inborn genetic diseases. Identifiers: MedGen C0950123, MeSH D030342.

Allele frequency attached by ClinVar (database versions not stated): TOPMed below 0.00001; gnomAD exomes 0.00001.
gnomAD v4.1: 3 of 1,612,812 alleles (0.00019%); highest among the groups gnomAD compares: Non-Finnish European, 0.00025%; no homozygotes.

Submissions (2):

Blueprint Genetics
Classification: Uncertain significance. Last evaluated: 2024-05-07. Review status: criteria provided, single submitter. Criteria: ACMG Guidelines, 2015. Collection method: clinical testing. Allele origin: germline.

Ambry Genetics
Classification: Uncertain significance for Inborn genetic diseases. Last evaluated: 2021-08-02. Review status: criteria provided, single submitter. Criteria: Ambry Variant Classification Scheme 2023. Collection method: clinical testing. Allele origin: germline.
Comment: The p.T409P variant (also known as c.1225A>C), located in coding exon 12 of the ERCC2 gene, results from an A to C substitution at nucleotide position 1225. The threonine at codon 409 is replaced by proline, an amino acid with highly similar properties. This amino acid position is conserved. In addition, this alteration is predicted to be deleterious by in silico analysis. Since supporting evidence is limited at this time, the clinical significance of this alteration remains unclear.

NM_000400.4(ERCC2):c.1225A>C (p.Thr409Pro)

Gene: ERCC2 (ERCC excision repair 2, TFIIH core complex helicase subunit; minus strand). Cytogenetic location: 19q13.32.
Variant type: single nucleotide variant.
Coding change: c.1225A>C on transcript NM_000400.4 (MANE Select); coding-DNA position 1225, A replaced by C.
Protein change: p.Thr409Pro; replaces threonine 409 with proline.
Molecular consequence: missense variant.
Genome position (GRCh38, 1-based): chr19:45,361,536, T>G on the plus strand (A>C on the coding strand, the complement: ERCC2 is on the minus strand). VCF-style: chr19-45361536-T-G. GRCh37 (hg19) VCF-style: chr19-45864794-T-G.
Other names: c.1153A>C, p.Thr385Pro (NM_001130867.2); short protein forms T385P, T409P.
Identifiers: ClinVar variation 1754045 (VCV001754045.3), dbSNP rs916150601, ClinGen allele CA308964123.